The following is an entry in ClinVar:

ClinVar aggregate classification (germline): Benign/Likely benign. Review status: criteria provided, multiple submitters, no conflicts (2 of 4 stars). 5 submissions from 5 submitters: Benign (1); Likely benign (3). 1 of the submissions does not count toward it. Last evaluated 2026-01-16.

Conditions:
Birt-Hogg-Dube syndrome. Also called: Birt Hogg Dubé syndrome. Identifiers: Orphanet 122, MedGen C0346010, MONDO:0800444.
Hereditary cancer-predisposing syndrome. Also called: Neoplastic Syndromes, Hereditary; Tumor predisposition; Hereditary neoplastic syndrome; Hereditary Cancer Syndrome. Identifiers: Orphanet 140162, MedGen C0027672, MeSH D009386, MONDO:0015356.
Birt-Hogg-Dube syndrome 1 (BHD1). Also called: FIBROFOLLICULOMAS WITH TRICHODISCOMAS AND ACROCHORDONS. Identifiers: Orphanet 122, MedGen CN375946, MONDO:0800445, OMIM 135150.
FLCN-related disorder. Also called: FLCN-related condition.

Allele frequency attached by ClinVar (database versions not stated): gnomAD exomes 0.00002 and 0.00004; ExAC 0.00003; TOPMed 0.00004; gnomAD 0.00005; ESP Exome Variant Server 0.00008.

Submissions (5):

Labcorp Genetics (formerly Invitae), Labcorp
Classification: Likely benign for Birt-Hogg-Dube syndrome. Last evaluated: 2026-01-16. Review status: criteria provided, single submitter. Criteria: Invitae Variant Classification Sherloc (09022015). Collection method: clinical testing. Allele origin: germline.

Myriad Genetics, Inc.
Classification: Benign for Birt-Hogg-Dube syndrome 1. Last evaluated: 2024-10-24. Review status: criteria provided, single submitter. Criteria: Myriad Autosomal Dominant, Autosomal Recessive and X-Linked Classification Criteria (2023). Collection method: clinical testing. Allele origin: unknown.
Comment: This variant is considered benign. This variant is a silent/synonymous amino acid change and it is not expected to impact splicing.

GeneDx
Classification: Likely benign. Last evaluated: 2018-03-12. Review status: criteria provided, single submitter. Criteria: GeneDx Variant Classification (06012015). Collection method: clinical testing. Allele origin: germline. Affected: yes.
Comment: This variant is considered likely benign or benign based on one or more of the following criteria: it is a conservative change, it occurs at a poorly conserved position in the protein, it is predicted to be benign by multiple in silico algorithms, and/or has population frequency not consistent with disease.

Ambry Genetics
Classification: Likely benign for Hereditary cancer-predisposing syndrome. Last evaluated: 2017-08-24. Review status: criteria provided, single submitter. Criteria: Ambry Variant Classification Scheme 2023. Collection method: clinical testing. Allele origin: germline.

PreventionGenetics, part of Exact Sciences
Classification: Likely benign for FLCN-related condition. Last evaluated: 2023-12-04. Review status: no assertion criteria provided. Collection method: clinical testing. Allele origin: germline. Not counted in ClinVar's aggregate classification.
Comment: This variant is classified as likely benign based on ACMG/AMP sequence variant interpretation guidelines (Richards et al. 2015 PMID: 25741868, with internal and published modifications).

NM_144997.7(FLCN):c.1287C>T (p.His429=)

Gene: FLCN (folliculin; minus strand). Cytogenetic location: 17p11.2.
Variant type: single nucleotide variant.
Coding change: c.1287C>T on transcript NM_144997.7 (MANE Select); coding-DNA position 1287, C replaced by T.
Protein change: p.His429=; no amino-acid change (histidine 429 retained).
Molecular consequence: synonymous variant.
Genome position (GRCh38, 1-based): chr17:17,216,393, G>A on the plus strand (C>T on the coding strand, the complement: FLCN is on the minus strand). VCF-style: chr17-17216393-G-A. GRCh37 (hg19) VCF-style: chr17-17119707-G-A.
Other names: c.1287C>T (LRG_325t1); c.1341C>T, p.His447= (NM_001353229.2); c.1287C>T, p.His429= (NM_001353230.2, NM_001353231.2).
Identifiers: ClinVar variation 241916 (VCV000241916.18), dbSNP rs374707789, ClinGen allele CA8416072.